The following is an entry in ClinVar:

NM_001164508.2(NEB):c.24004C>T (p.Gln8002Ter)

Genes: NEB (nebulin; minus strand), RIF1 (replication timing regulatory factor 1; plus strand). Cytogenetic location: 2q23.3.
Variant type: single nucleotide variant.
Coding change: c.24004C>T on transcript NM_001164508.2 (MANE Select); coding-DNA position 24004, C replaced by T.
Protein change: p.Gln8002Ter; replaces glutamine 8002 with a stop codon.
Molecular consequence: nonsense. On other transcripts: intron variant (1).
Genome position (GRCh38, 1-based): chr2:151,501,408, G>A on the plus strand (C>T on the coding strand, the complement: NEB is on the minus strand). VCF-style: chr2-151501408-G-A. GRCh37 (hg19) VCF-style: chr2-152357922-G-A.
Other names: c.24004C>T, p.Gln8002Ter (NM_001164507.2); c.24109C>T, p.Gln8037Ter (NM_001271208.2); c.18825+1385C>T (NM_004543.5); short protein forms Q8002*, Q8037*.
Identifiers: ClinVar variation 1690987 (VCV001690987.6), dbSNP rs2153072192, ClinGen allele CA348780379.

ClinVar aggregate classification (germline): Pathogenic/Likely pathogenic. Review status: criteria provided, multiple submitters, no conflicts (2 of 4 stars). 3 submissions from 3 submitters: Pathogenic (2); Likely pathogenic (1). Last evaluated 2026-03-04.

Conditions:
Nemaline myopathy 2 (NEM2). Also called: Nemaline myopathy 2, autosomal recessive. Identifiers: MedGen C1850569, MONDO:0009725, OMIM 256030.

Submissions (3):

Myriad Genetics, Inc.
Classification: Pathogenic for Nemaline myopathy 2. Last evaluated: 2026-03-04. Review status: criteria provided, single submitter. Criteria: Myriad Autosomal Dominant, Autosomal Recessive and X-Linked Classification Criteria (2023). Collection method: clinical testing. Allele origin: unknown.
Comment: NM_001271208.1(NEB):c.24109C>T(Q8037*) is a nonsense variant classified as pathogenic in the context of NEB-related nemaline myopathy. Q8037* has not been observed in cases with relevant disease. Relevant functional assessments of this variant are not available in the literature. Q8037* has not been observed in referenced population frequency databases. In summary, NM_001271208.1(NEB):c.24109C>T(Q8037*) is a nonsense variant in a gene where loss of function is a known mechanism of disease and is predicted to disrupt protein function. Please note: this variant was assessed in the context of healthy population screening.

Labcorp Genetics (formerly Invitae), Labcorp
Classification: Pathogenic for Nemaline myopathy 2. Last evaluated: 2023-12-18. Review status: criteria provided, single submitter. Criteria: Invitae Variant Classification Sherloc (09022015). Collection method: clinical testing. Allele origin: germline.
Comment: This sequence change creates a premature translational stop signal (p.Gln8037*) in the NEB gene. It is expected to result in an absent or disrupted protein product. Loss-of-function variants in NEB are known to be pathogenic (PMID: 25205138). This variant is not present in population databases (gnomAD no frequency). This variant has not been reported in the literature in individuals affected with NEB-related conditions. ClinVar contains an entry for this variant (Variation ID: 1690987). Algorithms developed to predict the effect of sequence changes on RNA splicing suggest that this variant may disrupt the consensus splice site. For these reasons, this variant has been classified as Pathogenic.

Laboratorio de Genetica e Diagnostico Molecular, Hospital Israelita Albert Einstein
Classification: Likely pathogenic. Last evaluated: 2020-11-29. Review status: criteria provided, single submitter. Criteria: ACMG Guidelines, 2015. Collection method: clinical testing. Allele origin: germline. Affected: yes.
Comment: ACMG classification criteria: PVS1, PM2

Literature cited by the submitters: PubMed 25205138 (cited by Labcorp Genetics (formerly Invitae), Labcorp).